The following is an entry in ClinVar:

NM_002858.4(ABCD3):c.34A>T (p.Asn12Tyr)

Gene: ABCD3 (ATP binding cassette subfamily D member 3; plus strand). Cytogenetic location: 1p21.3.
Variant type: single nucleotide variant.
Coding change: c.34A>T on transcript NM_002858.4 (MANE Select); coding-DNA position 34, A replaced by T.
Protein change: p.Asn12Tyr; replaces asparagine 12 with tyrosine.
Molecular consequence: missense variant.
Genome position (GRCh38, 1-based): chr1:94,418,512, A>T. VCF-style: chr1-94418512-A-T. GRCh37 (hg19) VCF-style: chr1-94884068-A-T.
Other names: c.34A>T (NM_002858.3); c.34A>T, p.Asn12Tyr (NM_001122674.2); short protein forms N12Y.
Identifiers: ClinVar variation 2993533 (VCV002993533.4), dbSNP rs767019118, ClinGen allele CA959978.

ClinVar aggregate classification (germline): Uncertain significance. Review status: criteria provided, multiple submitters, no conflicts (2 of 4 stars). 2 submissions from 2 submitters: Uncertain significance (2). Last evaluated 2026-01-11.

Allele frequency attached by ClinVar (database versions not stated): gnomAD 0.00003; TOPMed 0.00005; ExAC 0.00009.
gnomAD v4.1: 22 of 1,605,560 alleles (0.0014%); highest among the groups gnomAD compares: East Asian, 0.047%; no homozygotes.

Submissions (2):

Labcorp Genetics (formerly Invitae), Labcorp
Classification: Uncertain significance. Last evaluated: 2026-01-11. Review status: criteria provided, single submitter. Criteria: Invitae Variant Classification Sherloc (09022015). Collection method: clinical testing. Allele origin: germline.
Comment: This sequence change replaces asparagine, which is neutral and polar, with tyrosine, which is neutral and polar, at codon 12 of the ABCD3 protein (p.Asn12Tyr). This variant is present in population databases (rs767019118, gnomAD 0.08%), and has an allele count higher than expected for a pathogenic variant. This variant has not been reported in the literature in individuals affected with ABCD3-related conditions. ClinVar contains an entry for this variant (Variation ID: 2993533). An algorithm developed to predict the effect of missense changes on protein structure and function (PolyPhen-2) suggests that this variant is likely to be tolerated. In summary, the available evidence is currently insufficient to determine the role of this variant in disease. Therefore, it has been classified as a Variant of Uncertain Significance.

Ambry Genetics
Classification: Uncertain significance. Last evaluated: 2024-02-05. Review status: criteria provided, single submitter. Criteria: Ambry Variant Classification Scheme 2023. Collection method: clinical testing. Allele origin: germline.